The following is an entry in ClinVar:

ClinVar aggregate classification (germline): Uncertain significance (1 of 4 stars; one submission).

Allele frequency attached by ClinVar (database versions not stated): TOPMed below 0.00001.

Submission:

Labcorp Genetics (formerly Invitae), Labcorp
Classification: Uncertain significance. Last evaluated: 2022-11-18. Review status: criteria provided, single submitter. Criteria: Invitae Variant Classification Sherloc (09022015). Collection method: clinical testing. Allele origin: germline.
Comment: In summary, the available evidence is currently insufficient to determine the role of this variant in disease. Therefore, it has been classified as a Variant of Uncertain Significance. Algorithms developed to predict the effect of missense changes on protein structure and function (SIFT, PolyPhen-2, Align-GVGD) all suggest that this variant is likely to be disruptive. This variant has not been reported in the literature in individuals affected with FAM20C-related conditions. This variant is not present in population databases (gnomAD no frequency). This sequence change replaces tyrosine, which is neutral and polar, with cysteine, which is neutral and slightly polar, at codon 370 of the FAM20C protein (p.Tyr370Cys).

NM_020223.4(FAM20C):c.1109A>G (p.Tyr370Cys)

Gene: FAM20C (FAM20C golgi associated secretory pathway kinase; plus strand). Cytogenetic location: 7p22.3.
Variant type: single nucleotide variant.
Coding change: c.1109A>G on transcript NM_020223.4 (MANE Select); coding-DNA position 1109, A replaced by G.
Protein change: p.Tyr370Cys; replaces tyrosine 370 with cysteine.
Molecular consequence: missense variant.
Genome position (GRCh38, 1-based): chr7:255,885, A>G. VCF-style: chr7-255885-A-G. GRCh37 (hg19) VCF-style: chr7-295851-A-G.
Other names: short protein forms Y370C.
Identifiers: ClinVar variation 1717647 (VCV001717647.5), dbSNP rs1179705441, ClinGen allele CA366525130.